The following is an entry in ClinVar:

ClinVar aggregate classification (germline): Likely pathogenic. Review status: criteria provided, multiple submitters, no conflicts (2 of 4 stars). 2 submissions from 2 submitters: Likely pathogenic (2). Last evaluated 2023-05-15.

Conditions:
Cardiovascular phenotype. Identifiers: MedGen CN230736.
Hereditary cancer-predisposing syndrome. Also called: Neoplastic Syndromes, Hereditary; Tumor predisposition; Hereditary Cancer Syndrome; Hereditary neoplastic syndrome. Identifiers: Orphanet 140162, MedGen C0027672, MeSH D009386, MONDO:0015356.
LZTR1-related schwannomatosis. Also called: Schwannomatosis-2, susceptibility to; Schwannomatosis 2. Identifiers: Orphanet 93921, MedGen C3810283, MONDO:0014299, OMIM 615670.

Submissions (2):

Baylor Genetics
Classification: Likely pathogenic for LZTR1-related schwannomatosis. Last evaluated: 2023-05-15. Review status: criteria provided, single submitter. Criteria: ACMG Guidelines, 2015. Collection method: clinical testing. Allele origin: unknown.

Ambry Genetics
Classification: Likely pathogenic for Cardiovascular phenotype; Hereditary cancer-predisposing syndrome. Last evaluated: 2022-07-18. Review status: criteria provided, single submitter. Criteria: Ambry Variant Classification Scheme 2023. Collection method: clinical testing. Allele origin: germline.
Comment: The c.1616-2_1616-1delAGinsCC variant results from a deletion of AG nucleotides and insertion of CC nucleotides at positions c.1616-2 to c.1616-1 and involves the canonical splice acceptor site before coding exon 15 of the LZTR1 gene. The canonical splice acceptor site is highly conserved in available vertebrate species. Using the BDGP and ESEfinder splice site prediction tools, this alteration is predicted to abolish the native acceptor splice site; however, direct evidence is unavailable. Loss-of-function variants in LZTR1 are related to an increased risk for schwannomas and autosomal recessive Noonan syndrome; however, such associations with autosomal dominant Noonan syndrome have not been observed (Piotrowski A et al. Nat Genet. 2014 Feb;46:182-7; Yamamoto GL et al. J Med Genet. 2015 Jun;52:413-21; Johnston JJ et al. Genet Med. 2018 10;20:1175-1185). Based on the supporting evidence, this variant is likely pathogenic for an increased risk of LZTR1-related schwannomatosis (SWN) and would be expected to cause autosomal recessive Noonan syndrome when present along with a second pathogenic or likely pathogenic variant on the other allele; however, the association of this alteration with autosomal dominant Noonan syndrome is unlikely.

NM_006767.4(LZTR1):c.1616-2_1616-1delinsCC

Gene: LZTR1 (leucine zipper like post translational regulator 1; plus strand). Cytogenetic location: 22q11.21.
Variant type: Indel.
Coding change: c.1616-2_1616-1delinsCC on transcript NM_006767.4 (MANE Select); the canonical splice acceptor site of the intron before coding-DNA position 1616, AG replaced by CC.
Molecular consequence: splice acceptor variant.
Genome position (GRCh38, 1-based): chr22:20,994,556-20,994,557, AG replaced by CC. VCF-style: chr22-20994556-AG-CC. GRCh37 (hg19) VCF-style: chr22-21348845-AG-CC.
Identifiers: ClinVar variation 1776485 (VCV001776485.3), dbSNP rs2518621615, ClinGen allele CA2580099207.